The following is an entry in ClinVar:

ClinVar aggregate classification (germline): Uncertain significance (1 of 4 stars; one submission).

Allele frequency attached by ClinVar (database versions not stated): gnomAD exomes 0.00001.
gnomAD v4.1: 18 of 1,608,670 alleles (0.0011%); highest among the groups gnomAD compares: Admixed American, 0.005%; no homozygotes.

Submission:

Labcorp Genetics (formerly Invitae), Labcorp
Classification: Uncertain significance. Last evaluated: 2022-04-26. Review status: criteria provided, single submitter. Criteria: Invitae Variant Classification Sherloc (09022015). Collection method: clinical testing. Allele origin: germline.
Comment: This sequence change replaces aspartic acid, which is acidic and polar, with asparagine, which is neutral and polar, at codon 405 of the TONSL protein (p.Asp405Asn). This variant is not present in population databases (gnomAD no frequency). This variant has not been reported in the literature in individuals affected with TONSL-related conditions. Algorithms developed to predict the effect of missense changes on protein structure and function are either unavailable or do not agree on the potential impact of this missense change (SIFT: "Tolerated"; PolyPhen-2: "Possibly Damaging"; Align-GVGD: "Class C0"). In summary, the available evidence is currently insufficient to determine the role of this variant in disease. Therefore, it has been classified as a Variant of Uncertain Significance.

NM_013432.5(TONSL):c.1213G>A (p.Asp405Asn)

Gene: TONSL (tonsoku like, DNA repair protein; minus strand). Cytogenetic location: 8q24.3.
Variant type: single nucleotide variant.
Coding change: c.1213G>A on transcript NM_013432.5 (MANE Select); coding-DNA position 1213, G replaced by A.
Protein change: p.Asp405Asn; replaces aspartic acid 405 with asparagine.
Molecular consequence: missense variant.
Genome position (GRCh38, 1-based): chr8:144,440,428, C>T on the plus strand (G>A on the coding strand, the complement: TONSL is on the minus strand). VCF-style: chr8-144440428-C-T. GRCh37 (hg19) VCF-style: chr8-145665811-C-T.
Other names: short protein forms D405N.
Identifiers: ClinVar variation 2067918 (VCV002067918.1), dbSNP rs933904130, ClinGen allele CA187674489.